The following is an entry in ClinVar:

NM_000548.5(TSC2):c.2692A>T (p.Ile898Phe)

Gene: TSC2 (TSC complex subunit 2; plus strand). Cytogenetic location: 16p13.3.
Variant type: single nucleotide variant.
Coding change: c.2692A>T on transcript NM_000548.5 (MANE Select); coding-DNA position 2692, A replaced by T.
Protein change: p.Ile898Phe; replaces isoleucine 898 with phenylalanine.
Molecular consequence: missense variant. On other transcripts: non-coding transcript variant (5).
Genome position (GRCh38, 1-based): chr16:2,076,120, A>T. VCF-style: chr16-2076120-A-T. GRCh37 (hg19) VCF-style: chr16-2126121-A-T.
Other names: c.2680A>T, p.Ile894Phe (NM_001406673.1, NM_001406671.1); c.2545A>T, p.Ile849Phe (NM_001406675.1, NM_001406676.1, NM_001406679.1 and 1 more transcripts); c.2635A>T, p.Ile879Phe (NM_001406677.1); c.2581A>T, p.Ile861Phe (NM_001406678.1, NM_001318827.2, NM_001406670.1); c.2092A>T, p.Ile698Phe (NM_001406680.1, NM_001406682.1, NM_001318831.2 and 6 more transcripts); c.2230A>T, p.Ile744Phe (NM_001406681.1); c.1348A>T, p.Ile450Phe (NM_001406693.1, NM_001406694.1, NM_001406695.1 and 6 more transcripts); c.1090A>T, p.Ile364Phe (NM_001406698.1); and 3 more; short protein forms I898F, I909F, I744F, I861F, I879F, I928F, I450F, I849F.
Identifiers: ClinVar variation 4823956 (VCV004823956.1).
Genomic context (GRCh38, chr16:2,076,120, plus strand): 5'-CATCTCAGGTTTAATCAGTACATCGTGTGTCTGGCCCATCACGTCATAGCCATGTGGTTC[A>T]TCAGGTGCCGCCTGCCCTTCCGGAAGGATTTTGTCCCTTTCATCACTAAGGTGGGCTCAG-3'
Protein context (NP_000539.2, residues 888-908): LAHHVIAMWF[Ile898Phe]RCRLPFRKDF

ClinVar aggregate classification (germline): Uncertain significance (1 of 4 stars; one submission).

Conditions:
Hereditary cancer-predisposing syndrome. Also called: Neoplastic Syndromes, Hereditary; Hereditary neoplastic syndrome; Tumor predisposition; Hereditary Cancer Syndrome. Identifiers: Orphanet 140162, MedGen C0027672, MeSH D009386, MONDO:0015356.

gnomAD v4.1: 1 of 1,613,818 alleles (0.000062%); highest among the groups gnomAD compares: Non-Finnish European, 0.000085%; no homozygotes.

Submission:

Ambry Genetics
Classification: Uncertain significance for Hereditary cancer-predisposing syndrome. Last evaluated: 2026-01-17. Review status: criteria provided, single submitter. Criteria: Ambry Variant Classification Scheme 2023. Collection method: clinical testing. Allele origin: germline.
Comment: The p.I898F variant (also known as c.2692A>T), located in coding exon 23 of the TSC2 gene, results from an A to T substitution at nucleotide position 2692. The isoleucine at codon 898 is replaced by phenylalanine, an amino acid with highly similar properties. This amino acid position is conserved. In addition, this alteration is predicted to be deleterious by in silico analysis. Based on the available evidence, the clinical significance of this variant remains unclear.